The following is an entry in ClinVar:

NM_000432.4(MYL2):c.484G>A (p.Gly162Arg)

Gene: MYL2 (myosin light chain 2; minus strand). Cytogenetic location: 12q24.11.
Variant type: single nucleotide variant.
Coding change: c.484G>A on transcript NM_000432.4 (MANE Select); coding-DNA position 484, G replaced by A.
Protein change: p.Gly162Arg; replaces glycine 162 with arginine.
Molecular consequence: missense variant.
Genome position (GRCh38, 1-based): chr12:110,911,094, C>T on the plus strand (G>A on the coding strand, the complement: MYL2 is on the minus strand). VCF-style: chr12-110911094-C-T. GRCh37 (hg19) VCF-style: chr12-111348898-C-T.
Other names: p.G162R:GGA>AGA; short protein forms G162R.
Identifiers: ClinVar variation 132976 (VCV000132976.26), dbSNP rs199474814, ClinGen allele CA010431.

ClinVar aggregate classification (germline): Uncertain significance. Review status: reviewed by expert panel (3 of 4 stars). 12 submissions from 12 submitters: Uncertain significance (1). 11 of the submissions do not count toward it. Last evaluated 2025-11-14.

Conditions:
MYL2-related disorder. Also called: MYL2-related condition; MYL2-related disease; MYL2-related disorders.
Cardiovascular phenotype. Identifiers: MedGen CN230736.
Cardiomyopathy (CMYO). Also called: Cardiomyopathies. Identifiers: Orphanet 167848, MedGen C0878544, MONDO:0004994, HP:0001638. Inheritance: Various modes of inheritance.
Hypertrophic cardiomyopathy 10. Also called: CARDIOMYOPATHY, HYPERTROPHIC, MID-LEFT VENTRICULAR CHAMBER TYPE, 2; MYL2-Related Familial Hypertrophic Cardiomyopathy. Identifiers: MedGen C1834460, MONDO:0012112, OMIM 608758.
Hypertrophic cardiomyopathy. Also called: HYPERTROPHIC MYOCARDIOPATHY. Identifiers: Orphanet 217569, MedGen C0007194, MeSH D002312, MONDO:0005045, HP:0001639.

Allele frequency attached by ClinVar (database versions not stated): gnomAD exomes below 0.00001.
gnomAD v4.1: 1 of 1,614,042 alleles (0.000062%); highest among the groups gnomAD compares: Non-Finnish European, 0.000085%; no homozygotes.

Submissions (12):

ClinGen Cardiomyopathy Variant Curation Expert Panel
Classification: Uncertain significance for Hypertrophic cardiomyopathy. Last evaluated: 2025-11-14. Review status: reviewed by expert panel. Criteria: ClinGen CMP ACMG Specifications MYL2 V1.0.0. Collection method: curation. Allele origin: germline. Inheritance: Autosomal dominant inheritance.
Comment: NM_000432.4(MYL2):c.484G>A (p.Gly162Arg). This variant has been identified in individuals with HCM and other cardiomyopathies (ClinVar Variation ID 164114), including as a presumed de novo occurrence in one of these individuals (PM6_Supporting) and was absent from large population studies (v.2.1). The variant is statistically increased in individuals with HCM compared to controls (OR lower 95% CI>5), therefore, the PS4 criterion has been applied at supporting strength (PS4_Supporting) and the PM2_Supporting criterion has also been applied (PM2_Supporting). A different missense variant that meets criteria to be classified as likely pathogenic by this expert panel has been previously identified at this codon, which indicates that this residue may be critical to the function of the protein (PM5_Supporting; c.4855G>A, p.Gly162Glu - Variation ID 43479). In summary, due to insufficient evidence, this variant meets criteria to be classified as uncertain significance for hypertrophic cardiomyopathy in an autosomal dominant manner based on PS4_Supporting, PM2_Supporting, PM6_Supporting, PP3, PM5_Supporting.

Ambry Genetics
Classification: Likely pathogenic for Cardiovascular phenotype. Last evaluated: 2025-05-06. Review status: criteria provided, single submitter. Criteria: Ambry Variant Classification Scheme 2023. Collection method: clinical testing. Allele origin: germline. Not counted in ClinVar's aggregate classification.
Comment: The p.G162R variant (also known as c.484G>A), located in coding exon 7 of the MYL2 gene, results from a G to A substitution at nucleotide position 484. The glycine at codon 162 is replaced by arginine, an amino acid with dissimilar properties. This variant was reported in individual(s) with features consistent with hypertrophic cardiomyopathy (HCM); in at least one individual with restrictive cardiomyopathy (RCM), it was determined to be de novo (Olivotto I et al. Mayo Clin Proc, 2008 Jun;83:630-8; Cirino AL et al. Circ Cardiovasc Genet, 2017 Oct;10:[ePub ahead of print]; Jin SC et al. Nat Genet, 2017 Nov;49:1593-1601; Arbustini E et al. Eur Heart J, 2022 May;43:1901-1916; Mazzaccara C et al. Biomolecules, 2022 Oct;12:[ePub ahead of print]; Ishida H et al. Circ Genom Precis Med, 2023 Aug;16:382-389; Ambry internal data). This variant is considered to be rare based on population cohorts in the Genome Aggregation Database (gnomAD). This amino acid position is highly conserved in available vertebrate species. In addition, this alteration is predicted to be deleterious by in silico analysis. Based on the majority of available evidence to date, this variant is likely to be pathogenic for MYL2-related cardiomyopathy; however, its clinical significance for MYL2-related myofibrillar myopathy with cardiomyopathy is uncertain.

Revvity Omics, Revvity
Classification: Likely pathogenic. Last evaluated: 2025-03-21. Review status: criteria provided, single submitter. Criteria: ACMG Guidelines, 2015. Collection method: clinical testing. Allele origin: germline. Not counted in ClinVar's aggregate classification.

Labcorp Genetics (formerly Invitae), Labcorp
Classification: Pathogenic for Hypertrophic cardiomyopathy 10. Last evaluated: 2024-05-22. Review status: criteria provided, single submitter. Criteria: Invitae Variant Classification Sherloc (09022015). Collection method: clinical testing. Allele origin: germline. Not counted in ClinVar's aggregate classification.
Comment: This sequence change replaces glycine, which is neutral and non-polar, with arginine, which is basic and polar, at codon 162 of the MYL2 protein (p.Gly162Arg). This variant is not present in population databases (gnomAD no frequency). This missense change has been observed in individual(s) with hypertrophic cardiomyopathy or congenital heart disease (PMID: 18533079, 27532257, 28991257; Invitae). In at least one individual the variant was observed to be de novo. ClinVar contains an entry for this variant (Variation ID: 132976). An algorithm developed to predict the effect of missense changes on protein structure and function (PolyPhen-2) suggests that this variant is likely to be disruptive. Experimental studies have shown that this missense change affects MYL2 function (PMID: 23343568, 32453731). For these reasons, this variant has been classified as Pathogenic.

Genomic Medicine Center of Excellence, King Faisal Specialist Hospital and Research Centre
Classification: Likely pathogenic for Hypertrophic cardiomyopathy 10. Last evaluated: 2024-04-04. Review status: criteria provided, single submitter. Criteria: ACMG Guidelines, 2015. Collection method: clinical testing. Allele origin: germline. Not counted in ClinVar's aggregate classification.

Institute of Human Genetics Munich, TUM University Hospital
Classification: Pathogenic for Hypertrophic cardiomyopathy 10. Last evaluated: 2024-02-26. Review status: criteria provided, single submitter. Criteria: Classification criteria August 2017. Collection method: clinical testing. Allele origin: germline. Inheritance: Autosomal dominant inheritance. Affected: yes. Observed: 1 variant allele. Not counted in ClinVar's aggregate classification.

Blueprint Genetics
Classification: Pathogenic for MYL2-related disorders. Last evaluated: 2023-04-10. Review status: criteria provided, single submitter. Criteria: ACMG Guidelines, 2015. Collection method: clinical testing. Allele origin: germline. Affected: yes. Observed: 2 variant alleles. Not counted in ClinVar's aggregate classification.

GeneDx
Classification: Pathogenic. Last evaluated: 2022-12-29. Review status: criteria provided, single submitter. Criteria: GeneDx Variant Classification Process June 2021. Collection method: clinical testing. Allele origin: germline. Affected: yes. Not counted in ClinVar's aggregate classification.
Comment: Published in vitro and in vivo functional studies demonstrate a damaging effect on protein function (Manivannan et al., 2020); Not observed at significant frequency in large population cohorts (gnomAD); In silico analysis supports that this missense variant has a deleterious effect on protein structure/function; Reported in ClinVar but additional evidence is not available (ClinVar Variant ID#132976; ClinVar); This variant is associated with the following publications: (PMID: 23343568, 18533079, 28991257, 32368696, 36291626, 32453731)

Laboratory for Molecular Medicine, Mass General Brigham Personalized Medicine
Classification: Likely pathogenic for Hypertrophic cardiomyopathy. Last evaluated: 2021-04-06. Review status: criteria provided, single submitter. Criteria: ACMG Guidelines, 2015. Collection method: clinical testing. Allele origin: germline. Inheritance: Autosomal dominant inheritance. Not counted in ClinVar's aggregate classification.
Comment: This variant was absent from large population studies, but has been reported in ClinVar (Variation ID: 132976). In vitro functional studies provide some evidence that the p.Gly162Arg variant may impact protein function (Burghardt 2013); however, these types of assays sometimes do not accurately represent biological function. Glycine (Gly) at position 162 is highly conserved in evolution and the change to arginine (Arg) was predicted to be pathogenic using a computational tool clinically validated by our laboratory. This tool's pathogenic prediction is estimated to be correct 94% of the time (Jordan 2011). In summary, although additional studies are required to fully establish its clinical significance, the p.Gly162Arg variant is likely pathogenic. ACMG/AMP Criteria applied: PM6_Strong; PM2; PS3_Supporting; PP3; PS4_Supporting.

Center of Genomic medicine, Geneva, University Hospital of Geneva
Classification: Uncertain significance for Cardiomyopathy. Last evaluated: 2018-01-09. Review status: criteria provided, single submitter. Criteria: ACMG Guidelines, 2015. Collection method: clinical testing. Allele origin: germline. Affected: yes. Not counted in ClinVar's aggregate classification.

Stanford Center for Inherited Cardiovascular Disease, Stanford University
Classification: Likely pathogenic. Last evaluated: 2015-03-12. Review status: criteria provided, single submitter. Criteria: ACMG Guidelines, 2015. Collection method: provider interpretation. Allele origin: germline. Not counted in ClinVar's aggregate classification.

Leiden Muscular Dystrophy (MYL2)
No classification provided. Review status: no classification provided. Collection method: not provided. Allele origin: germline. Not counted in ClinVar's aggregate classification.

Literature cited by the submitters: PubMed 18533079 (cited by 4 submitters); PubMed 28991257 (cited by Ambry Genetics and Labcorp Genetics (formerly Invitae), Labcorp); PubMed 29030401 (cited by Ambry Genetics); PubMed 35089333 (cited by Ambry Genetics); PubMed 36291626 (cited by Ambry Genetics); PubMed 37377035 (cited by Ambry Genetics); PubMed 27532257 (cited by Labcorp Genetics (formerly Invitae), Labcorp and Laboratory for Molecular Medicine, Mass General Brigham Personalized Medicine); PubMed 23343568 (cited by Labcorp Genetics (formerly Invitae), Labcorp and Laboratory for Molecular Medicine, Mass General Brigham Personalized Medicine); PubMed 32453731 (cited by Labcorp Genetics (formerly Invitae), Labcorp); PubMed 29549657 (cited by Laboratory for Molecular Medicine, Mass General Brigham Personalized Medicine); PubMed 25611685 (cited by Laboratory for Molecular Medicine, Mass General Brigham Personalized Medicine).